The following is an entry in ClinVar:

ClinVar aggregate classification (germline): Likely benign. Review status: criteria provided, single submitter (1 of 4 stars). 2 submissions from 2 submitters: Likely benign (1). 1 of the submissions does not count toward it. Last evaluated 2026-01-05.

Conditions:
HMCN1-related disorder. Also called: HMCN1-related condition.

Allele frequency attached by ClinVar (database versions not stated): gnomAD exomes 0.00002 and 0.00007; ExAC 0.00010; ESP Exome Variant Server 0.00015; gnomAD 0.00035; TOPMed 0.00091; 1000 Genomes Project 0.00100; 1000 Genomes Project 30x 0.00109.
gnomAD v4.1: 111 of 1,613,386 alleles (0.0069%); highest among the groups gnomAD compares: Admixed American, 0.14%; no homozygotes.

Submissions (2):

Labcorp Genetics (formerly Invitae), Labcorp
Classification: Likely benign. Last evaluated: 2026-01-05. Review status: criteria provided, single submitter. Criteria: Invitae Variant Classification Sherloc (09022015). Collection method: clinical testing. Allele origin: germline.

PreventionGenetics, part of Exact Sciences
Classification: Likely benign for HMCN1-related condition. Last evaluated: 2020-02-26. Review status: no assertion criteria provided. Collection method: clinical testing. Allele origin: germline. Not counted in ClinVar's aggregate classification.
Comment: This variant is classified as likely benign based on ACMG/AMP sequence variant interpretation guidelines (Richards et al. 2015 PMID: 25741868, with internal and published modifications).

NM_031935.3(HMCN1):c.9003T>C (p.Asn3001=)

Gene: HMCN1 (hemicentin 1; plus strand). Cytogenetic location: 1q31.1.
Variant type: single nucleotide variant.
Coding change: c.9003T>C on transcript NM_031935.3 (MANE Select); coding-DNA position 9003, T replaced by C.
Protein change: p.Asn3001=; no amino-acid change (asparagine 3001 retained).
Molecular consequence: synonymous variant.
Genome position (GRCh38, 1-based): chr1:186,086,364, T>C. VCF-style: chr1-186086364-T-C. GRCh37 (hg19) VCF-style: chr1-186055496-T-C.
Other names: c.9003T>C (NM_031935.2).
Identifiers: ClinVar variation 1570410 (VCV001570410.10), dbSNP rs143086645, ClinGen allele CA1293284.
Genomic context (GRCh38, chr1:186,086,364, plus strand): 5'-CATCTCTTTGACCTGTGAGGTCTCTGGTTTTCCACCTCCTGACCTCAGCTGGCTCAAGAA[T>C]GAACAGCCCATCAAACTGAACACAAATACTCTCATTGTGCCTGGTAAGGAACTTCTTATT-3'
Protein context (NP_114141.2, residues 2991-3011): FPPPDLSWLK[Asn3001=]EQPIKLNTNT